The following is an entry in ClinVar:

ClinVar aggregate classification (germline): Conflicting classifications of pathogenicity. Review status: criteria provided, conflicting classifications (1 of 4 stars). 5 submissions from 5 submitters: Uncertain significance (1); Benign (1); Likely benign (3). Last evaluated 2026-01-11.

Conditions:
TBCD-related disorder. Also called: TBCD-related condition.

Allele frequency attached by ClinVar (database versions not stated): gnomAD exomes 0.00022 and 0.00034; ExAC 0.00042; ESP Exome Variant Server 0.00105; gnomAD 0.00111 and 0.00118; TOPMed 0.00119; 1000 Genomes Project 30x 0.00125; 1000 Genomes Project 0.00140.
gnomAD v4.1: 512 of 1,613,796 alleles (0.032%); highest among the groups gnomAD compares: African/African-American, 0.42%; 1 homozygote.

Submissions (5):

Labcorp Genetics (formerly Invitae), Labcorp
Classification: Benign. Last evaluated: 2026-01-11. Review status: criteria provided, single submitter. Criteria: Invitae Variant Classification Sherloc (09022015). Collection method: clinical testing. Allele origin: germline.

Blueprint Genetics
Classification: Likely benign. Last evaluated: 2024-11-27. Review status: criteria provided, single submitter. Criteria: ACMG Guidelines, 2015. Collection method: clinical testing. Allele origin: germline.

PreventionGenetics, part of Exact Sciences
Classification: Likely benign for TBCD-related condition. Last evaluated: 2024-10-05. Review status: criteria provided, single submitter. Criteria: ACMG Guidelines, 2015. Collection method: clinical testing. Allele origin: germline.
Comment: This variant is classified as likely benign based on ACMG/AMP sequence variant interpretation guidelines (Richards et al. 2015 PMID: 25741868, with internal and published modifications).

CeGaT Center for Human Genetics Tuebingen
Classification: Likely benign. Last evaluated: 2024-09-01. Review status: criteria provided, single submitter. Criteria: CeGaT Center For Human Genetics Tuebingen Variant Classification Criteria Version 2. Collection method: clinical testing. Allele origin: germline. Affected: yes. Observed: 3 variant alleles.
Comment: TBCD: BP4

Laboratorio de Genetica e Diagnostico Molecular, Hospital Israelita Albert Einstein
Classification: Uncertain significance. Last evaluated: 2020-03-10. Review status: criteria provided, single submitter. Criteria: ACMG Guidelines, 2015. Collection method: clinical testing. Allele origin: germline. Affected: yes.
Comment: ACMG classification criteria: BP4

NM_005993.5(TBCD):c.1534-4G>A

Gene: TBCD (tubulin folding cofactor D). Cytogenetic location: 17q25.3.
Variant type: single nucleotide variant.
Coding change: c.1534-4G>A on transcript NM_005993.5 (MANE Select); 4 bases into the intron before coding-DNA position 1534, G replaced by A.
Molecular consequence: intron variant.
Genome position (GRCh38, 1-based): chr17:82,889,664, G>A. VCF-style: chr17-82889664-G-A. GRCh37 (hg19) VCF-style: chr17-80847540-G-A.
Identifiers: ClinVar variation 778758 (VCV000778758.50), dbSNP rs116536514, ClinGen allele CA8862634.